The following is an entry in ClinVar:

NM_020863.4(ZFAT):c.1127C>T (p.Ala376Val)

Gene: ZFAT (zinc finger and AT-hook domain containing; minus strand). Cytogenetic location: 8q24.22.
Variant type: single nucleotide variant.
Coding change: c.1127C>T on transcript NM_020863.4 (MANE Select); coding-DNA position 1127, C replaced by T.
Protein change: p.Ala376Val; replaces alanine 376 with valine.
Molecular consequence: missense variant. On other transcripts: non-coding transcript variant (1).
Genome position (GRCh38, 1-based): chr8:134,602,592, G>A on the plus strand (C>T on the coding strand, the complement: ZFAT is on the minus strand). VCF-style: chr8-134602592-G-A. GRCh37 (hg19) VCF-style: chr8-135614835-G-A.
Other names: c.1091C>T, p.Ala364Val (NM_001029939.4, NM_001167583.3, NM_001174158.2 and 1 more transcripts); c.941C>T, p.Ala314Val (NM_001174157.2); short protein forms A314V, A376V, A364V.
Identifiers: ClinVar variation 2349696 (VCV002349696.24), dbSNP rs199724546, ClinGen allele CA4888092.

ClinVar aggregate classification (germline): Conflicting classifications of pathogenicity. Review status: criteria provided, conflicting classifications (1 of 4 stars). 2 submissions from 2 submitters: Uncertain significance (1); Likely benign (1). Last evaluated 2024-02-01.

Allele frequency attached by ClinVar (database versions not stated): ExAC 0.00007; gnomAD exomes 0.00007; ESP Exome Variant Server 0.00024; TOPMed 0.00037; gnomAD 0.00038.
gnomAD v4.1: 165 of 1,614,100 alleles (0.01%); highest among the groups gnomAD compares: African/African-American, 0.11%; no homozygotes.

Submissions (2):

CeGaT Center for Human Genetics Tuebingen
Classification: Likely benign. Last evaluated: 2024-02-01. Review status: criteria provided, single submitter. Criteria: CeGaT Center For Human Genetics Tuebingen Variant Classification Criteria Version 2. Collection method: clinical testing. Allele origin: germline. Affected: yes. Observed: 1 variant allele.
Comment: ZFAT: BP4

Ambry Genetics
Classification: Uncertain significance. Last evaluated: 2021-08-10. Review status: criteria provided, single submitter. Criteria: Ambry Variant Classification Scheme 2023. Collection method: clinical testing. Allele origin: germline.